The following is an entry in ClinVar:

ClinVar aggregate classification (germline): Conflicting classifications of pathogenicity. Review status: criteria provided, conflicting classifications (1 of 4 stars). 5 submissions from 5 submitters: Likely pathogenic (1); Uncertain significance (3). 1 of the submissions does not count toward it. Last evaluated 2024-06-18.

Conditions:
Fanconi anemia complementation group P. Also called: SLX4-Related Fanconi Anemia. Identifiers: Orphanet 84, MedGen C3469542, MONDO:0013499, OMIM 613951.
Fanconi anemia (FA). Also called: Fanconi's anemia. Identifiers: Orphanet 84, MedGen C0015625, MeSH D005199, MONDO:0019391.

Allele frequency attached by ClinVar (database versions not stated): ExAC 0.00003; gnomAD 0.00005; TOPMed 0.00008; gnomAD exomes 0.00009; ESP Exome Variant Server 0.00031.
gnomAD v4.1: 132 of 1,614,008 alleles (0.0082%); highest among the groups gnomAD compares: Non-Finnish European, 0.011%; no homozygotes.

Submissions (5):

Fulgent Genetics
Classification: Uncertain significance for Fanconi anemia complementation group P. Last evaluated: 2024-06-18. Review status: criteria provided, single submitter. Criteria: ACMG Guidelines, 2015. Collection method: clinical testing. Allele origin: germline.

Blueprint Genetics
Classification: Uncertain significance. Last evaluated: 2024-02-19. Review status: criteria provided, single submitter. Criteria: ACMG Guidelines, 2015. Collection method: clinical testing. Allele origin: germline.

Labcorp Genetics (formerly Invitae), Labcorp
Classification: Uncertain significance for Fanconi anemia. Last evaluated: 2023-12-31. Review status: criteria provided, single submitter. Criteria: Invitae Variant Classification Sherloc (09022015). Collection method: clinical testing. Allele origin: germline.
Comment: This sequence change replaces glutamine, which is neutral and polar, with lysine, which is basic and polar, at codon 1007 of the SLX4 protein (p.Gln1007Lys). This variant is present in population databases (rs138798067, gnomAD 0.01%). This missense change has been observed in individual(s) with breast cancer (PMID: 22911665). ClinVar contains an entry for this variant (Variation ID: 837545). An algorithm developed to predict the effect of missense changes on protein structure and function (PolyPhen-2) suggests that this variant¬†is likely to be tolerated. In summary, the available evidence is currently insufficient to determine the role of this variant in disease. Therefore, it has been classified as a Variant of Uncertain Significance.

Institute for Clinical Genetics, University Hospital TU Dresden, University Hospital TU Dresden
Classification: Likely pathogenic. Last evaluated: 2021-11-03. Review status: criteria provided, single submitter. Criteria: ACMG Guidelines, 2015. Collection method: clinical testing. Allele origin: germline.

Leiden Open Variation Database
Classification: Likely benign. Last evaluated: 2012-08-31. Review status: no assertion criteria provided. Collection method: curation. Allele origin: germline. Affected: yes. Not counted in ClinVar's aggregate classification.
Comment: Curator: Arleen D. Auerbach. Submitter to LOVD: Janine Bakker.

Literature cited by the submitters: PubMed 22911665 (cited by Labcorp Genetics (formerly Invitae), Labcorp and Leiden Open Variation Database).

NM_032444.4(SLX4):c.3019C>A (p.Gln1007Lys)

Gene: SLX4 (SLX4 structure-specific endonuclease subunit; minus strand). Cytogenetic location: 16p13.3.
Variant type: single nucleotide variant.
Coding change: c.3019C>A on transcript NM_032444.4 (MANE Select); coding-DNA position 3019, C replaced by A.
Protein change: p.Gln1007Lys; replaces glutamine 1007 with lysine.
Molecular consequence: missense variant.
Genome position (GRCh38, 1-based): chr16:3,590,619, G>T on the plus strand (C>A on the coding strand, the complement: SLX4 is on the minus strand). VCF-style: chr16-3590619-G-T. GRCh37 (hg19) VCF-style: chr16-3640620-G-T.
Other names: short protein forms Q1007K.
Identifiers: ClinVar variation 837545 (VCV000837545.11), dbSNP rs138798067, ClinGen allele CA7866016.
Genomic context (GRCh38, chr16:3,590,619, plus strand): 5'-CCTGCCAGGGAGCCAGGCGATGAGAAACCTCCAGCCCCCTTTCCCTGACAGCGCCACTTT[G>T]TTCCTCGGGCTCACTTGTTATTTGGGACGGCTCTGAGATCTCTCCCTGAGTTGATGAGAA-3'
Protein context (NP_115820.2, residues 997-1017): PSQITSEPEE[Gln1007Lys]SGAVRERGLE